The following is an entry in ClinVar:

NM_021096.4(CACNA1I):c.4375A>G (p.Lys1459Glu)

Gene: CACNA1I (calcium voltage-gated channel subunit alpha1 I; plus strand). Cytogenetic location: 22q13.1.
Variant type: single nucleotide variant.
Coding change: c.4375A>G on transcript NM_021096.4 (MANE Select); coding-DNA position 4375, A replaced by G.
Protein change: p.Lys1459Glu; replaces lysine 1459 with glutamic acid.
Molecular consequence: missense variant.
Genome position (GRCh38, 1-based): chr22:39,670,218, A>G. VCF-style: chr22-39670218-A-G. GRCh37 (hg19) VCF-style: chr22-40066223-A-G.
Other names: c.4270A>G, p.Lys1424Glu (NM_001003406.2); short protein forms K1424E, K1459E.
Identifiers: ClinVar variation 4294312 (VCV004294312.1).
Genomic context (GRCh38, chr22:39,670,218, plus strand): 5'-CAGCACCAGGAGGCTGAAGAGGCACGGCGGCGTGAGGAGAAGCGGCTGCGGCGCCTGGAG[A>G]AGAAGCGCCGGAGTGAGTGGGTGCCTGTGGAGGGCGTGGGCCACCCAGCTCTAAGCCCTT-3'
Protein context (NP_066919.2, residues 1449-1469): REEKRLRRLE[Lys1459Glu]KRRKAQRLPY

ClinVar aggregate classification (germline): Uncertain significance (1 of 4 stars; one submission).

Conditions:
Neurodevelopmental disorder with speech impairment and with or without seizures. Also called: Neurodevelopmental disorder with variable intellectual disability and speech impairment, with or without seizures. Identifiers: MedGen C5774252, MONDO:0859313, OMIM 620114.

Submission:

Clinical Genomic Analysis (GENYSIS) Core, University of North Carolina at Chapel Hill
Classification: Uncertain significance for Neurodevelopmental disorder with speech impairment and with or without seizures. Last evaluated: 2025-10-07. Review status: criteria provided, single submitter. Criteria: ACMG Guidelines, 2015. Collection method: research. Allele origin: paternal. Observed: 1 heterozygote. Study: UNC Genetic Determinants of Neurological and Developmental Disorders (GDNDD) Study.
Comment: CACNA1I c.4375A>G, p.(Lys1459Glu), is a missense variant in exon 25 of 37 that changes a single amino acid from a lysine to a glutamate. This variant is present at a maximum population allele frequency of 0.002% (19/1179812 alleles) in gnomADv4.1 and has not previously been reported in the literature or in ClinVar. The CACNA1I gene is highly constrained for missense variants and multiple in silico models predict that the p.Lys1459Glu variant has a deleterious effect on the protein product. However, this information is not sufficient to prove pathogenicity. Given the available evidence, this variant is classified as a variant of uncertain significance.